The following is an entry in ClinVar:

ClinVar aggregate classification (germline): Likely benign. Review status: criteria provided, multiple submitters, no conflicts (2 of 4 stars). 3 submissions from 3 submitters: Likely benign (3). Last evaluated 2025-09-25.

Conditions:
Malignant hyperthermia, susceptibility to, 1 (MHS1). Also called: Malignant hyperthermia suceptibility 1; Anesthesia related hyperthermia; Malignant hyperpyrexia; Fulminating hyperpyrexia; Pharmacogenic myopathy; RYR1-Related Malignant Hyperthermia Susceptibility. Identifiers: Orphanet 423, MedGen C2930980, MONDO:0007783, OMIM 145600.
RYR1-related disorder. Also called: RYR1-related disorders; RYR1-related condition. Identifiers: MedGen CN239331.

Allele frequency attached by ClinVar (database versions not stated): ExAC below 0.00001; gnomAD 0.00001; gnomAD exomes 0.00001; TOPMed 0.00003.
gnomAD v4.1: 17 of 1,572,466 alleles (0.0011%); highest among the groups gnomAD compares: Non-Finnish European, 0.0015%; no homozygotes.

Submissions (3):

Labcorp Genetics (formerly Invitae), Labcorp
Classification: Likely benign for RYR1-related disorder. Last evaluated: 2025-09-25. Review status: criteria provided, single submitter. Criteria: Invitae Variant Classification Sherloc (09022015). Collection method: clinical testing. Allele origin: germline.

All of Us Research Program, National Institutes of Health
Classification: Likely benign for Malignant hyperthermia, susceptibility to, 1. Last evaluated: 2024-02-05. Review status: criteria provided, single submitter. Criteria: ACMG Guidelines, 2015. Collection method: clinical testing. Allele origin: germline. Inheritance: Autosomal dominant inheritance. Observed: 6 variant alleles, 6 heterozygotes.
Comment: This study involves interpretation of variants in research participants for the purpose of population health screening. Participant phenotype was not available at the time of variant classification. Additional details can be found in publication PMID: 35346344, PMCID: PMC8962531

CeGaT Center for Human Genetics Tuebingen
Classification: Likely benign. Last evaluated: 2019-03-01. Review status: criteria provided, single submitter. Criteria: CeGaT Center For Human Genetics Tuebingen Variant Classification Criteria Version 2. Collection method: clinical testing. Allele origin: germline. Affected: yes. Observed: 1 variant allele.

NM_000540.3(RYR1):c.12625-8C>T

Gene: RYR1 (ryanodine receptor 1; plus strand). Cytogenetic location: 19q13.2.
Variant type: single nucleotide variant.
Coding change: c.12625-8C>T on transcript NM_000540.3 (MANE Select); 8 bases into the intron before coding-DNA position 12625, C replaced by T.
Molecular consequence: intron variant.
Genome position (GRCh38, 1-based): chr19:38,564,951, C>T. VCF-style: chr19-38564951-C-T. GRCh37 (hg19) VCF-style: chr19-39055591-C-T.
Other names: c.12610-8C>T (NM_001042723.2).
Identifiers: ClinVar variation 478175 (VCV000478175.53), dbSNP rs778720628, ClinGen allele CA059267.